The following is an entry in ClinVar:

ClinVar aggregate classification (germline): Uncertain significance (1 of 4 stars; one submission).

Conditions:
Primary dilated cardiomyopathy (DCM). Also called: Dilated Cardiomyopathy. Identifiers: Orphanet 217604, MedGen C0007193, MeSH D002311, MONDO:0005021, HP:0001644. Inheritance: Various modes of inheritance.

Submission:

Labcorp Genetics (formerly Invitae), Labcorp
Classification: Uncertain significance for Primary dilated cardiomyopathy. Last evaluated: 2025-12-02. Review status: criteria provided, single submitter. Criteria: Invitae Variant Classification Sherloc (09022015). Collection method: clinical testing. Allele origin: germline.
Comment: This sequence change creates a premature translational stop signal (p.Val148Leufs*45) in the NEBL gene. It is expected to result in an absent or disrupted protein product. However, the current clinical and genetic evidence is not sufficient to establish whether loss-of-function variants in NEBL cause disease. This variant is not present in population databases (gnomAD no frequency). This variant has not been reported in the literature in individuals affected with NEBL-related conditions. In summary, the available evidence is currently insufficient to determine the role of this variant in disease. Therefore, it has been classified as a Variant of Uncertain Significance.

NM_006393.3(NEBL):c.442del (p.Val148fs)

Gene: NEBL (nebulette; minus strand). Cytogenetic location: 10p12.31.
Variant type: Deletion.
Coding change: c.442del on transcript NM_006393.3 (MANE Select); coding-DNA position 442, one base deleted (G; older notation c.442delG).
Protein change: p.Val148fs; shifts the reading frame from valine 148.
Molecular consequence: frameshift variant. On other transcripts: intron variant (9).
Genome position (GRCh38, 1-based): chr10:20,880,832, C deleted on the plus strand (G on the coding strand, the reverse complement: NEBL is on the minus strand); the first of 2 consecutive C bases (chr10:20,880,832-20,880,833); deleting either gives the same sequence. VCF-style (leftmost placement, unchanged base first): chr10-20880831-AC-A. GRCh37 (hg19) VCF-style: chr10-21169760-AC-A.
Other names: c.250-67892del (NM_001377326.1, NM_001377327.1, NM_001377328.1); c.358-67892del (NM_213569.2, NM_001173484.2, NM_001377322.1); c.301-67892del (NM_001377324.1); c.292-67892del (NM_001377325.1); c.310-67892del (NM_001377323.1); short protein forms V148fs.
Identifiers: ClinVar variation 4702452 (VCV004702452.1).